The following is an entry in ClinVar:

NM_000551.4(VHL):c.2T>A (p.Met1Lys)

Gene: VHL (von Hippel-Lindau tumor suppressor; plus strand). Cytogenetic location: 3p25.3.
Variant type: single nucleotide variant.
Coding change: c.2T>A on transcript NM_000551.4 (MANE Select); coding-DNA position 2, T replaced by A.
Protein change: p.Met1Lys; changes the start codon (methionine 1).
Molecular consequence: missense variant, initiator codon variant.
Genome position (GRCh38, 1-based): chr3:10,141,849, T>A. VCF-style: chr3-10141849-T-A. GRCh37 (hg19) VCF-style: chr3-10183533-T-A.
Other names: c.2T>A, p.Met1Lys (NM_001354723.2, NM_198156.3); short protein forms M1K.
Identifiers: ClinVar variation 2121268 (VCV002121268.5), dbSNP rs2125124372, ClinGen allele CA351747011.
Genomic context (GRCh38, chr3:10,141,849, plus strand): 5'-CCGCGTCCGACCCGCGGATCCCGCGGCGTCCGGCCCGGGTGGTCTGGATCGCGGAGGGAA[T>A]GCCCCGGAGGGCGGAGAACTGGGACGAGGCCGAGGTAGGCGCGGAGGAGGCAGGCGTCGA-3'
Protein context (NP_000542.1, residues 1-11): [Met1Lys]PRRAENWDEA

ClinVar aggregate classification (germline): Uncertain significance (1 of 4 stars; one submission).

Conditions:
Von Hippel-Lindau syndrome (VHLS). Also called: VHL syndrome; Von Hippel-Lindau; von Hippel–Lindau syndrome. Identifiers: Orphanet 892, MedGen C0019562, MONDO:0008667, OMIM 193300. Disease mechanism: loss of function.
Chuvash polycythemia. Also called: POLYCYTHEMIA, VHL-DEPENDENT. Identifiers: Orphanet 238557, MedGen C1837915, MONDO:0009892, OMIM 263400.

Submission:

Labcorp Genetics (formerly Invitae), Labcorp
Classification: Uncertain significance for Von Hippel-Lindau syndrome; Chuvash polycythemia. Last evaluated: 2022-04-04. Review status: criteria provided, single submitter. Criteria: Invitae Variant Classification Sherloc (09022015). Collection method: clinical testing. Allele origin: germline.
Comment: This sequence change affects the initiator methionine of the VHL mRNA. The next in-frame methionine is located at codon 54. It is unclear whether it will result in an absent or disrupted protein product because an in-frame methionine located at codon 54 has the potential to rescue this variant. This variant is not present in population databases (gnomAD no frequency). This variant has not been reported in the literature in individuals affected with VHL-related conditions. Several studies have shown that the VHL protein created from a downstream methionine located at codon 54 is biologically active, and exhibits properties similar to the full-length, wild-type protein (PMID: 9671762, 9751722). In summary, the available evidence is currently insufficient to determine the role of this variant in disease. Therefore, it has been classified as a Variant of Uncertain Significance.

Literature cited by the submitters: PubMed 9671762; PubMed 9751722.